The following is an entry in ClinVar:

ClinVar aggregate classification (germline): Pathogenic (1 of 4 stars; one submission).

Submission:

Labcorp Genetics (formerly Invitae), Labcorp
Classification: Pathogenic. Last evaluated: 2023-03-22. Review status: criteria provided, single submitter. Criteria: Invitae Variant Classification Sherloc (09022015). Collection method: clinical testing. Allele origin: germline.
Comment: For these reasons, this variant has been classified as Pathogenic. This sequence change creates a premature translational stop signal (p.Pro614Leufs*10) in the ADAMTSL4 gene. It is expected to result in an absent or disrupted protein product. Loss-of-function variants in ADAMTSL4 are known to be pathogenic (PMID: 20564469, 28642162). The frequency data for this variant in the population databases is considered unreliable, as metrics indicate poor data quality at this position in the gnomAD database. This variant has not been reported in the literature in individuals affected with ADAMTSL4-related conditions.

Literature cited by the submitters: PubMed 20564469; PubMed 28642162.

NM_019032.6(ADAMTSL4):c.1841del (p.Pro614fs)

Genes: ADAMTSL4 (ADAMTS like 4; plus strand), ADAMTSL4-AS2 (ADAMTSL4 antisense RNA 2; minus strand). Cytogenetic location: 1q21.2.
Variant type: Deletion.
Coding change: c.1841del on transcript NM_019032.6 (MANE Select); coding-DNA position 1841, one base deleted (C; older notation c.1841delC).
Protein change: p.Pro614fs; shifts the reading frame from proline 614.
Molecular consequence: frameshift variant. On other transcripts: intron variant (1).
Genome position (GRCh38, 1-based): chr1:150,557,030, C deleted; the last of 5 consecutive C bases (chr1:150,557,026-150,557,030); deleting any one gives the same sequence. VCF-style (leftmost placement, unchanged base first): chr1-150557025-GC-G. GRCh37 (hg19) VCF-style: chr1-150529501-GC-G.
Other names: c.1910del, p.Pro637fs (NM_001288608.2); c.1841del, p.Pro614fs (NM_001378596.1, NM_025008.5); c.1856+54del (NM_001288607.2); short protein forms P637fs, P614fs.
Identifiers: ClinVar variation 2848414 (VCV002848414.3), dbSNP rs762274397, ClinGen allele CA1078410.